The following is an entry in ClinVar:

NM_004525.3(LRP2):c.6382A>C (p.Lys2128Gln)

Gene: LRP2 (LDL receptor related protein 2; minus strand). Cytogenetic location: 2q31.1.
Variant type: single nucleotide variant.
Coding change: c.6382A>C on transcript NM_004525.3 (MANE Select); coding-DNA position 6382, A replaced by C.
Protein change: p.Lys2128Gln; replaces lysine 2128 with glutamine.
Molecular consequence: missense variant.
Genome position (GRCh38, 1-based): chr2:169,209,540, T>G on the plus strand (A>C on the coding strand, the complement: LRP2 is on the minus strand). VCF-style: chr2-169209540-T-G. GRCh37 (hg19) VCF-style: chr2-170066050-T-G.
Other names: short protein forms K2128Q.
Identifiers: ClinVar variation 2006481 (VCV002006481.4), dbSNP rs2545816020, ClinGen allele CA349129128.

ClinVar aggregate classification (germline): Uncertain significance (1 of 4 stars; one submission).

Submission:

Labcorp Genetics (formerly Invitae), Labcorp
Classification: Uncertain significance. Last evaluated: 2022-06-14. Review status: criteria provided, single submitter. Criteria: Invitae Variant Classification Sherloc (09022015). Collection method: clinical testing. Allele origin: germline.
Comment: In summary, the available evidence is currently insufficient to determine the role of this variant in disease. Therefore, it has been classified as a Variant of Uncertain Significance. Algorithms developed to predict the effect of missense changes on protein structure and function are either unavailable or do not agree on the potential impact of this missense change (SIFT: "Deleterious"; PolyPhen-2: "Possibly Damaging"; Align-GVGD: "Class C0"). This variant has not been reported in the literature in individuals affected with LRP2-related conditions. This variant is not present in population databases (gnomAD no frequency). This sequence change replaces lysine, which is basic and polar, with glutamine, which is neutral and polar, at codon 2128 of the LRP2 protein (p.Lys2128Gln).